The following is an entry in ClinVar:

ClinVar aggregate classification (germline): Uncertain significance (1 of 4 stars; one submission).

Submission:

Labcorp Genetics (formerly Invitae), Labcorp
Classification: Uncertain significance. Last evaluated: 2025-09-16. Review status: criteria provided, single submitter. Criteria: Invitae Variant Classification Sherloc (09022015). Collection method: clinical testing. Allele origin: germline.
Comment: This sequence change replaces serine, which is neutral and polar, with asparagine, which is neutral and polar, at codon 10 of the PPP1CB protein (p.Ser10Asn). This variant is not present in population databases (gnomAD no frequency). This variant has not been reported in the literature in individuals affected with PPP1CB-related conditions. An algorithm developed to predict the effect of missense changes on protein structure and function (PolyPhen-2) suggests that this variant is likely to be tolerated. In summary, the available evidence is currently insufficient to determine the role of this variant in disease. Therefore, it has been classified as a Variant of Uncertain Significance.

NM_002709.3(PPP1CB):c.29G>A (p.Ser10Asn)

Gene: PPP1CB (protein phosphatase 1 catalytic subunit beta; plus strand). Cytogenetic location: 2p23.2.
Variant type: single nucleotide variant.
Coding change: c.29G>A on transcript NM_002709.3 (MANE Select); coding-DNA position 29, G replaced by A.
Protein change: p.Ser10Asn; replaces serine 10 with asparagine.
Molecular consequence: missense variant.
Genome position (GRCh38, 1-based): chr2:28,752,153, G>A. VCF-style: chr2-28752153-G-A. GRCh37 (hg19) VCF-style: chr2-28975019-G-A.
Other names: c.29G>A, p.Ser10Asn (NM_206876.2); short protein forms S10N.
Identifiers: ClinVar variation 4727287 (VCV004727287.1).